The following is an entry in ClinVar:

ClinVar aggregate classification (germline): Likely benign. Review status: criteria provided, multiple submitters, no conflicts (2 of 4 stars). 3 submissions from 3 submitters: Likely benign (3). Last evaluated 2025-12-23.

Conditions:
Primary ciliary dyskinesia. Also called: Ciliary dyskinesia. Identifiers: Orphanet 244, MedGen C0008780, MONDO:0016575, HP:0012265.

Allele frequency attached by ClinVar (database versions not stated): gnomAD exomes 0.00006; gnomAD 0.00008; ESP Exome Variant Server 0.00011.
gnomAD v4.1: 66 of 1,129,938 alleles (0.0058%); highest among the groups gnomAD compares: African/African-American, 0.0089%; no homozygotes.

Submissions (3):

Labcorp Genetics (formerly Invitae), Labcorp
Classification: Likely benign for Primary ciliary dyskinesia. Last evaluated: 2025-12-23. Review status: criteria provided, single submitter. Criteria: Invitae Variant Classification Sherloc (09022015). Collection method: clinical testing. Allele origin: germline.

Blueprint Genetics
Classification: Likely benign. Last evaluated: 2024-09-03. Review status: criteria provided, single submitter. Criteria: ACMG Guidelines, 2015. Collection method: clinical testing. Allele origin: germline.

CeGaT Center for Human Genetics Tuebingen
Classification: Likely benign. Last evaluated: 2024-06-01. Review status: criteria provided, single submitter. Criteria: CeGaT Center For Human Genetics Tuebingen Variant Classification Criteria Version 2. Collection method: clinical testing. Allele origin: germline. Affected: yes. Observed: 1 variant allele.
Comment: RPGR: BP4, BS2

NM_001034853.2(RPGR):c.2343G>A (p.Ala781=)

Gene: RPGR (retinitis pigmentosa GTPase regulator; minus strand). Cytogenetic location: Xp11.4.
Variant type: single nucleotide variant.
Coding change: c.2343G>A on transcript NM_001034853.2 (MANE Select); coding-DNA position 2343, G replaced by A.
Protein change: p.Ala781=; no amino-acid change (alanine 781 retained).
Molecular consequence: synonymous variant. On other transcripts: intron variant (8).
Genome position (GRCh38, 1-based): chrX:38,286,656, C>T on the plus strand (G>A on the coding strand, the complement: RPGR is on the minus strand). VCF-style: chrX-38286656-C-T. GRCh37 (hg19) VCF-style: chrX-38145909-C-T.
Other names: c.1569+4303G>A (NM_001367249.1, NM_001367250.1); c.1902+438G>A (NM_001367245.1); c.1386+4303G>A (NM_001367251.1); c.1719+438G>A (NM_001367246.1); c.1572+4303G>A (NM_001367247.1); c.1905+438G>A (NM_000328.3); c.1602+4303G>A (NM_001367248.1).
Identifiers: ClinVar variation 2202457 (VCV002202457.23), dbSNP rs139643783, ClinGen allele CA327916070.